The following is an entry in ClinVar:

NM_002204.4(ITGA3):c.547G>A (p.Glu183Lys)

Gene: ITGA3 (integrin subunit alpha 3; plus strand). Cytogenetic location: 17q21.33.
Variant type: single nucleotide variant.
Coding change: c.547G>A on transcript NM_002204.4 (MANE Select); coding-DNA position 547, G replaced by A.
Protein change: p.Glu183Lys; replaces glutamic acid 183 with lysine.
Molecular consequence: missense variant.
Genome position (GRCh38, 1-based): chr17:50,068,188, G>A. VCF-style: chr17-50068188-G-A. GRCh37 (hg19) VCF-style: chr17-48145552-G-A.
Other names: short protein forms E183K.
Identifiers: ClinVar variation 1305507 (VCV001305507.3), dbSNP rs768258066, ClinGen allele CA8641276.

ClinVar aggregate classification (germline): Uncertain significance (1 of 4 stars; one submission).

Allele frequency attached by ClinVar (database versions not stated): gnomAD exomes below 0.00001 and 0.00001; ExAC 0.00001.
gnomAD v4.1: 8 of 1,614,192 alleles (0.0005%); highest among the groups gnomAD compares: Non-Finnish European, 0.00034%; no homozygotes.

Submission:

GeneDx
Classification: Uncertain significance. Last evaluated: 2022-10-18. Review status: criteria provided, single submitter. Criteria: GeneDx Variant Classification Process June 2021. Collection method: clinical testing. Allele origin: germline. Affected: yes.
Comment: Has not been previously published as pathogenic or benign to our knowledge; In silico analysis supports that this missense variant does not alter protein structure/function